The following is an entry in ClinVar:

NM_014425.5(INVS):c.2747dup (p.Asn917fs)

Gene: INVS (inversin; plus strand). Cytogenetic location: 9q31.1.
Variant type: Duplication.
Coding change: c.2747dup on transcript NM_014425.5 (MANE Select); coding-DNA position 2747, one base duplicated (A; older notation c.2747dupA).
Protein change: p.Asn917fs; shifts the reading frame from asparagine 917.
Molecular consequence: frameshift variant. On other transcripts: non-coding transcript variant (1).
Genome position (GRCh38, 1-based): chr9:100,293,004, A duplicated; the last of 5 consecutive A bases (chr9:100,293,000-100,293,004); duplicating any one gives the same sequence. VCF-style (leftmost placement, unchanged base first): chr9-100292999-C-CA. GRCh37 (hg19) VCF-style: chr9-103055281-C-CA.
Other names: c.2459dup, p.Asn821fs (NM_001318381.2); c.1769dup, p.Asn591fs (NM_001318382.2); c.2747dupA (NM_014425.4); short protein forms N591fs, N917fs, N821fs.
Identifiers: ClinVar variation 4903932 (VCV004903932.2).

ClinVar aggregate classification (germline): Pathogenic/Likely pathogenic. Review status: criteria provided, multiple submitters, no conflicts (2 of 4 stars). 2 submissions from 2 submitters: Pathogenic (1); Likely pathogenic (1). Last evaluated 2026-08-03.

Conditions:
INVS-related disorder. Also called: INVS-related condition.
INVS-related disorders.

Submissions (2):

PreventionGenetics, part of Exact Sciences
Classification: Pathogenic for INVS-related condition. Last evaluated: 2026-08-03. Review status: criteria provided, single submitter. Criteria: ACMG Guidelines, 2015. Collection method: clinical testing. Allele origin: germline.
Comment: The INVS c.2747dupA variant is predicted to result in a frameshift and premature protein termination (p.Asn917Glufs*86). This variant was reported along with a second truncating variant in three individuals from two families with nephronophthisis (Otto et al. 2003. PubMed ID: 12872123; Table S1, Chaki et al. 2011. PubMed ID: 21866095; Supplementary Table, Petzold et al. 2023. PubMed ID: 37230223). This variant has not been reported in a large population database (gnomAD), indicating this variant is rare. Frameshift variants in INVS are expected to be pathogenic. This variant is interpreted as pathogenic.

Blueprint Genetics
Classification: Likely pathogenic for INVS-related disorders. Last evaluated: 2024-06-20. Review status: criteria provided, single submitter. Criteria: ACMG Guidelines, 2015. Collection method: clinical testing. Allele origin: germline. Affected: yes. Observed: 2 variant alleles.